The following is an entry in ClinVar:

ClinVar aggregate classification (germline): Likely benign. Review status: criteria provided, multiple submitters, no conflicts (2 of 4 stars). 3 submissions from 3 submitters: Likely benign (2). 1 of the submissions does not count toward it. Last evaluated 2025-11-06.

Conditions:
CREBBP-related disorder. Also called: CREBBP-related condition; CREBBP-related disorders.
Rubinstein-Taybi syndrome (RSTS). Identifiers: Orphanet 783, MedGen C0035934, MONDO:0019188.

Allele frequency attached by ClinVar (database versions not stated): ESP Exome Variant Server 0.00008.
gnomAD v4.1: 58 of 1,614,106 alleles (0.0036%); highest among the groups gnomAD compares: East Asian, 0.02%; no homozygotes.

Submissions (3):

Labcorp Genetics (formerly Invitae), Labcorp
Classification: Likely benign for Rubinstein-Taybi syndrome. Last evaluated: 2025-11-06. Review status: criteria provided, single submitter. Criteria: Invitae Variant Classification Sherloc (09022015). Collection method: clinical testing. Allele origin: germline.

CeGaT Center for Human Genetics Tuebingen
Classification: Likely benign. Last evaluated: 2024-06-01. Review status: criteria provided, single submitter. Criteria: CeGaT Center For Human Genetics Tuebingen Variant Classification Criteria Version 2. Collection method: clinical testing. Allele origin: germline. Affected: yes. Observed: 1 variant allele.
Comment: CREBBP: BP4, BP7

PreventionGenetics, part of Exact Sciences
Classification: Likely benign for CREBBP-related condition. Last evaluated: 2021-10-05. Review status: no assertion criteria provided. Collection method: clinical testing. Allele origin: germline. Not counted in ClinVar's aggregate classification.
Comment: This variant is classified as likely benign based on ACMG/AMP sequence variant interpretation guidelines (Richards et al. 2015 PMID: 25741868, with internal and published modifications).

NM_004380.3(CREBBP):c.4530G>A (p.Ala1510=)

Gene: CREBBP (CREB binding lysine acetyltransferase; minus strand). Cytogenetic location: 16p13.3.
Variant type: single nucleotide variant.
Coding change: c.4530G>A on transcript NM_004380.3 (MANE Select); coding-DNA position 4530, G replaced by A.
Protein change: p.Ala1510=; no amino-acid change (alanine 1510 retained).
Molecular consequence: synonymous variant.
Genome position (GRCh38, 1-based): chr16:3,736,680, C>T on the plus strand (G>A on the coding strand, the complement: CREBBP is on the minus strand). VCF-style: chr16-3736680-C-T. GRCh37 (hg19) VCF-style: chr16-3786681-C-T.
Other names: c.4416G>A, p.Ala1472= (NM_001079846.1); c.4530G>A (NM_004380.2).
Identifiers: ClinVar variation 2039648 (VCV002039648.23), dbSNP rs372936553, ClinGen allele CA7869511.